The following is an entry in ClinVar:

ClinVar aggregate classification (germline): Uncertain significance (1 of 4 stars; one submission).

Conditions:
Adams-Oliver syndrome 5 (AOS5). Identifiers: Orphanet 974, MedGen C4014970, MONDO:0014459, OMIM 616028.

Submission:

Labcorp Genetics (formerly Invitae), Labcorp
Classification: Uncertain significance for Adams-Oliver syndrome 5. Last evaluated: 2022-11-01. Review status: criteria provided, single submitter. Criteria: Invitae Variant Classification Sherloc (09022015). Collection method: clinical testing. Allele origin: germline.
Comment: In summary, the available evidence is currently insufficient to determine the role of this variant in disease. Therefore, it has been classified as a Variant of Uncertain Significance. Algorithms developed to predict the effect of missense changes on protein structure and function (SIFT, PolyPhen-2, Align-GVGD) all suggest that this variant is likely to be disruptive. This variant has not been reported in the literature in individuals affected with NOTCH1-related conditions. This variant is not present in population databases (gnomAD no frequency). This sequence change replaces tyrosine, which is neutral and polar, with cysteine, which is neutral and slightly polar, at codon 162 of the NOTCH1 protein (p.Tyr162Cys).

NM_017617.5(NOTCH1):c.485A>G (p.Tyr162Cys)

Gene: NOTCH1 (notch receptor 1; minus strand). Cytogenetic location: 9q34.3.
Variant type: single nucleotide variant.
Coding change: c.485A>G on transcript NM_017617.5 (MANE Select); coding-DNA position 485, A replaced by G.
Protein change: p.Tyr162Cys; replaces tyrosine 162 with cysteine.
Molecular consequence: missense variant.
Genome position (GRCh38, 1-based): chr9:136,523,107, T>C on the plus strand (A>G on the coding strand, the complement: NOTCH1 is on the minus strand). VCF-style: chr9-136523107-T-C. GRCh37 (hg19) VCF-style: chr9-139417559-T-C.
Other names: short protein forms Y162C.
Identifiers: ClinVar variation 2114653 (VCV002114653.4), dbSNP rs2133377858, ClinGen allele CA375571066.